The following is an entry in ClinVar:

ClinVar aggregate classification (germline): Uncertain significance (1 of 4 stars; one submission).

Allele frequency attached by ClinVar (database versions not stated): ExAC 0.00001; gnomAD 0.00001; gnomAD exomes 0.00001; TOPMed 0.00001.
gnomAD v4.1: 13 of 1,613,526 alleles (0.00081%); highest among the groups gnomAD compares: Admixed American, 0.0033%; no homozygotes.

Submission:

Labcorp Genetics (formerly Invitae), Labcorp
Classification: Uncertain significance. Last evaluated: 2023-04-12. Review status: criteria provided, single submitter. Criteria: Invitae Variant Classification Sherloc (09022015). Collection method: clinical testing. Allele origin: germline.
Comment: This sequence change replaces threonine, which is neutral and polar, with methionine, which is neutral and non-polar, at codon 63 of the AP3D1 protein (p.Thr63Met). The frequency data for this variant in the population databases is considered unreliable, as metrics indicate poor data quality at this position in the gnomAD database. This variant has not been reported in the literature in individuals affected with AP3D1-related conditions. An algorithm developed to predict the effect of missense changes on protein structure and function (PolyPhen-2) suggests that this variant is likely to be disruptive. In summary, the available evidence is currently insufficient to determine the role of this variant in disease. Therefore, it has been classified as a Variant of Uncertain Significance.

NM_001261826.3(AP3D1):c.188C>T (p.Thr63Met)

Gene: AP3D1 (adaptor related protein complex 3 subunit delta 1; minus strand). Cytogenetic location: 19p13.3.
Variant type: single nucleotide variant.
Coding change: c.188C>T on transcript NM_001261826.3 (MANE Select); coding-DNA position 188, C replaced by T.
Protein change: p.Thr63Met; replaces threonine 63 with methionine.
Molecular consequence: missense variant.
Genome position (GRCh38, 1-based): chr19:2,138,623, G>A on the plus strand (C>T on the coding strand, the complement: AP3D1 is on the minus strand). VCF-style: chr19-2138623-G-A. GRCh37 (hg19) VCF-style: chr19-2138622-G-A.
Other names: c.188C>T, p.Thr63Met (NM_001374799.1, NM_003938.8); short protein forms T63M.
Identifiers: ClinVar variation 3008175 (VCV003008175.3), dbSNP rs771620644, ClinGen allele CA9059844.
Genomic context (GRCh38, chr19:2,138,623, plus strand): 5'-GCTGAGTGGAGAAGCAGCCCGACAGTGCTGGGCGCTGGCCACTGGGAGGCACTTACATAC[G>A]TCAGCTTGCAGACCGCGTTCGCCTTCACCGCTATGTTGTCCTGCTTCAGCTCCTGCTTGA-3'
Protein context (NP_001248755.1, residues 53-73): AVKANAVCKL[Thr63Met]YLQMLGYDIS